The following is an entry in ClinVar:

ClinVar aggregate classification (germline): Uncertain significance. Review status: criteria provided, multiple submitters, no conflicts (2 of 4 stars). 2 submissions from 2 submitters: Uncertain significance (2). Last evaluated 2025-05-01.

Conditions:
Benign neonatal seizures. Also called: Benign familial neonatal seizures; Convulsions benign familial neonatal dominant form; Autosomal dominant form of benign neonatal seizures; Benign neonatal familial convulsions; Benign familial neonatal epilepsy. Identifiers: Orphanet 1949, MedGen C0220669, MONDO:0016027.

Allele frequency attached by ClinVar (database versions not stated): TOPMed below 0.00001.

Submissions (2):

Labcorp Genetics (formerly Invitae), Labcorp
Classification: Uncertain significance for Benign neonatal seizures. Last evaluated: 2025-05-01. Review status: criteria provided, single submitter. Criteria: Invitae Variant Classification Sherloc (09022015). Collection method: clinical testing. Allele origin: germline.
Comment: This sequence change replaces proline, which is neutral and non-polar, with serine, which is neutral and polar, at codon 594 of the KCNQ3 protein (p.Pro594Ser). This variant is not present in population databases (gnomAD no frequency). This variant has not been reported in the literature in individuals affected with KCNQ3-related conditions. ClinVar contains an entry for this variant (Variation ID: 646535). Invitae Evidence Modeling of protein sequence and biophysical properties (such as structural, functional, and spatial information, amino acid conservation, physicochemical variation, residue mobility, and thermodynamic stability) has been performed for this missense variant. However, the output from this modeling did not meet the statistical confidence thresholds required to predict the impact of this variant on KCNQ3 protein function. In summary, the available evidence is currently insufficient to determine the role of this variant in disease. Therefore, it has been classified as a Variant of Uncertain Significance.

GeneDx
Classification: Uncertain significance. Last evaluated: 2019-08-30. Review status: criteria provided, single submitter. Criteria: GeneDx Variant Classification Process June 2021. Collection method: clinical testing. Allele origin: germline. Affected: yes.
Comment: Not observed in large population cohorts (Lek et al., 2016); In silico analysis, which includes protein predictors and evolutionary conservation, supports that this variant does not alter protein structure/function; Has not been previously published as pathogenic or benign to our knowledge

NM_004519.4(KCNQ3):c.1780C>T (p.Pro594Ser)

Gene: KCNQ3 (potassium voltage-gated channel subfamily Q member 3; minus strand). Cytogenetic location: 8q24.22.
Variant type: single nucleotide variant.
Coding change: c.1780C>T on transcript NM_004519.4 (MANE Select); coding-DNA position 1780, C replaced by T.
Protein change: p.Pro594Ser; replaces proline 594 with serine.
Molecular consequence: missense variant.
Genome position (GRCh38, 1-based): chr8:132,134,309, G>A on the plus strand (C>T on the coding strand, the complement: KCNQ3 is on the minus strand). VCF-style: chr8-132134309-G-A. GRCh37 (hg19) VCF-style: chr8-133146556-G-A.
Other names: c.1420C>T, p.Pro474Ser (NM_001204824.2); short protein forms P594S, P474S.
Identifiers: ClinVar variation 646535 (VCV000646535.12), dbSNP rs868191966, ClinGen allele CA185431183.
Genomic context (GRCh38, chr8:132,134,309, plus strand): 5'-TTTGCACCCCTGGCCCATCAGTCCATGTCCACTGGCCCCACCTGGGAGATTGCTGGGATG[G>A]GAAGGTGAATGCTGACCCTTTCTGAGACTTCTTGTGTTTTGGCGTGGAGGGAGGTCCAGG-3'
Protein context (NP_004510.1, residues 584-604): KSQKGSAFTF[Pro594Ser]SQQSPRNEPY